The following is an entry in ClinVar:

NM_020461.4(TUBGCP6):c.5197G>A (p.Val1733Ile)

Gene: TUBGCP6 (tubulin gamma complex component 6; minus strand). Cytogenetic location: 22q13.33.
Variant type: single nucleotide variant.
Coding change: c.5197G>A on transcript NM_020461.4 (MANE Select); coding-DNA position 5197, G replaced by A.
Protein change: p.Val1733Ile; replaces valine 1733 with isoleucine.
Molecular consequence: missense variant.
Genome position (GRCh38, 1-based): chr22:50,218,089, C>T on the plus strand (G>A on the coding strand, the complement: TUBGCP6 is on the minus strand). VCF-style: chr22-50218089-C-T. GRCh37 (hg19) VCF-style: chr22-50656518-C-T.
Other names: short protein forms V1733I.
Identifiers: ClinVar variation 862722 (VCV000862722.7), dbSNP rs775546712, ClinGen allele CA10307123.
Genomic context (GRCh38, chr22:50,218,089, plus strand): 5'-AGATGAGCTGGCTGCGGAACTTGAGCACGAGGCTGAAGATGCTGTGGATGACGTTCATGA[C>T]GGGCGCCGCCTTCTCCGTGAGCAGGCCCCTGGGGGGAAGCAGTGCTGCTGGGTGGGCTGA-3'
Protein context (NP_065194.3, residues 1723-1743): RGLLTEKAAP[Val1733Ile]MNVIHSIFSL

ClinVar aggregate classification (germline): Uncertain significance. Review status: criteria provided, multiple submitters, no conflicts (2 of 4 stars). 2 submissions from 2 submitters: Uncertain significance (2). Last evaluated 2025-12-11.

Conditions:
Inborn genetic diseases. Identifiers: MedGen C0950123, MeSH D030342.

Allele frequency attached by ClinVar (database versions not stated): gnomAD 0.00001; gnomAD exomes 0.00002; TOPMed 0.00002; ExAC 0.00003.
gnomAD v4.1: 27 of 1,612,862 alleles (0.0017%); highest among the groups gnomAD compares: Middle Eastern, 0.016%; no homozygotes.

Submissions (2):

Ambry Genetics
Classification: Uncertain significance for Inborn genetic diseases. Last evaluated: 2025-12-11. Review status: criteria provided, single submitter. Criteria: Ambry Variant Classification Scheme 2023. Collection method: clinical testing. Allele origin: germline.

Labcorp Genetics (formerly Invitae), Labcorp
Classification: Uncertain significance. Last evaluated: 2022-10-13. Review status: criteria provided, single submitter. Criteria: Invitae Variant Classification Sherloc (09022015). Collection method: clinical testing. Allele origin: germline.
Comment: This sequence change replaces valine, which is neutral and non-polar, with isoleucine, which is neutral and non-polar, at codon 1733 of the TUBGCP6 protein (p.Val1733Ile). This variant is present in population databases (rs775546712, gnomAD 0.006%). This variant has not been reported in the literature in individuals affected with TUBGCP6-related conditions. ClinVar contains an entry for this variant (Variation ID: 862722). Algorithms developed to predict the effect of missense changes on protein structure and function are either unavailable or do not agree on the potential impact of this missense change (SIFT: "Tolerated"; PolyPhen-2: "Possibly Damaging"; Align-GVGD: "Class C0"). In summary, the available evidence is currently insufficient to determine the role of this variant in disease. Therefore, it has been classified as a Variant of Uncertain Significance.